The following is an entry in ClinVar:

NM_000051.4(ATM):c.1803-7T>C

Gene: ATM (ATM serine/threonine kinase; plus strand). Cytogenetic location: 11q22.3.
Variant type: single nucleotide variant.
Coding change: c.1803-7T>C on transcript NM_000051.4 (MANE Select); 7 bases into the intron before coding-DNA position 1803, T replaced by C.
Molecular consequence: intron variant.
Genome position (GRCh38, 1-based): chr11:108,252,810, T>C. VCF-style: chr11-108252810-T-C. GRCh37 (hg19) VCF-style: chr11-108123537-T-C.
Other names: c.1803-7T>C (NM_001351834.2).
Identifiers: ClinVar variation 1120890 (VCV001120890.11), dbSNP rs2135352285, ClinGen allele CA2499220576.

ClinVar aggregate classification (germline): Conflicting classifications of pathogenicity. Review status: criteria provided, conflicting classifications (1 of 4 stars). 3 submissions from 3 submitters: Uncertain significance (1); Likely benign (2). Last evaluated 2024-05-01.

Conditions:
Familial cancer of breast. Also called: BREAST CANCER, FAMILIAL; Hereditary breast cancer; hereditary breast carcinoma. Identifiers: Orphanet 227535, MedGen C0346153, MONDO:0016419, OMIM 114480. Disease mechanism: loss of function.
Ataxia-telangiectasia syndrome (AT). Also called: Ataxia-telangiectasia, complementation group E; Cerebello-oculocutaneous telangiectasia; Immunodeficiency with ataxia telangiectasia; AT, COMPLEMENTATION GROUP C; Ataxia-telangiectasia, complementation group D; Ataxia telangiectasia (A-T). Identifiers: Orphanet 100, MedGen C0004135, MONDO:0008840, OMIM 208900.

Allele frequency attached by ClinVar (database versions not stated): gnomAD exomes below 0.00001.
gnomAD v4.1: 3 of 1,592,540 alleles (0.00019%); highest among the groups gnomAD compares: Non-Finnish European, 0.00017%; no homozygotes.

Submissions (3):

Myriad Genetics, Inc.
Classification: Likely benign for Familial cancer of breast. Last evaluated: 2024-05-01. Review status: criteria provided, single submitter. Criteria: Myriad Autosomal Dominant, Autosomal Recessive and X-Linked Classification Criteria (2023). Collection method: clinical testing. Allele origin: unknown.
Comment: This variant is considered likely benign. This variant is intronic and is not expected to impact mRNA splicing.

Labcorp Genetics (formerly Invitae), Labcorp
Classification: Likely benign for Ataxia-telangiectasia syndrome. Last evaluated: 2024-04-16. Review status: criteria provided, single submitter. Criteria: Invitae Variant Classification Sherloc (09022015). Collection method: clinical testing. Allele origin: germline.

GeneDx
Classification: Uncertain significance. Last evaluated: 2022-05-04. Review status: criteria provided, single submitter. Criteria: GeneDx Variant Classification Process June 2021. Collection method: clinical testing. Allele origin: germline. Affected: yes.
Comment: Not observed at significant frequency in large population cohorts (gnomAD); In silico analysis supports that this variant does not alter splicing; Has not been previously published as pathogenic or benign to our knowledge